The following is an entry in ClinVar:

ClinVar aggregate classification (germline): Likely benign (0 of 4 stars; one submission).

Conditions:
GTF3C3-related disorder. Also called: GTF3C3-related condition.

Allele frequency attached by ClinVar (database versions not stated): gnomAD exomes 0.00014; 1000 Genomes Project 30x 0.00016; ExAC 0.00016; TOPMed 0.00016; gnomAD 0.00019; 1000 Genomes Project 0.00020; ESP Exome Variant Server 0.00046.
gnomAD v4.1: 233 of 1,613,048 alleles (0.014%); highest among the groups gnomAD compares: Non-Finnish European, 0.018%; no homozygotes.

Submission:

PreventionGenetics, part of Exact Sciences
Classification: Likely benign for GTF3C3-related condition. Last evaluated: 2019-12-02. Review status: no assertion criteria provided. Collection method: clinical testing. Allele origin: germline.
Comment: This variant is classified as likely benign based on ACMG/AMP sequence variant interpretation guidelines (Richards et al. 2015 PMID: 25741868, with internal and published modifications).

NM_012086.5(GTF3C3):c.1920C>G (p.Ser640=)

Gene: GTF3C3 (general transcription factor IIIC subunit 3; minus strand). Cytogenetic location: 2q33.1.
Variant type: single nucleotide variant.
Coding change: c.1920C>G on transcript NM_012086.5 (MANE Select); coding-DNA position 1920, C replaced by G.
Protein change: p.Ser640=; no amino-acid change (serine 640 retained).
Molecular consequence: synonymous variant.
Genome position (GRCh38, 1-based): chr2:196,773,065, G>C on the plus strand (C>G on the coding strand, the complement: GTF3C3 is on the minus strand). VCF-style: chr2-196773065-G-C. GRCh37 (hg19) VCF-style: chr2-197637789-G-C.
Identifiers: ClinVar variation 3049059 (VCV003049059.2), dbSNP rs143511427, ClinGen allele CA2039949.